The following is an entry in ClinVar:

NM_001199138.2(NLRC4):c.2687T>A (p.Leu896Gln)

Gene: NLRC4 (NLR family CARD domain containing 4; minus strand). Cytogenetic location: 2p22.3.
Variant type: single nucleotide variant.
Coding change: c.2687T>A on transcript NM_001199138.2 (MANE Select); coding-DNA position 2687, T replaced by A.
Protein change: p.Leu896Gln; replaces leucine 896 with glutamine.
Molecular consequence: missense variant.
Genome position (GRCh38, 1-based): chr2:32,235,496, A>T on the plus strand (T>A on the coding strand, the complement: NLRC4 is on the minus strand). VCF-style: chr2-32235496-A-T. GRCh37 (hg19) VCF-style: chr2-32460565-A-T.
Other names: c.2687T>A, p.Leu896Gln (NM_001199139.2, NM_021209.5); c.692T>A, p.Leu231Gln (NM_001302504.2); short protein forms L231Q, L896Q.
Identifiers: ClinVar variation 955158 (VCV000955158.12), dbSNP rs760231283, ClinGen allele CA1601725.
Genomic context (GRCh38, chr2:32,235,496, plus strand): 5'-TTTTTCAACCCAAGCTTGACGAGTTGTGGGACCTCCTCCAAATGTTTCAACAGGCTGCTC[A>T]GGCTGCCTTGCACGTCACAGCCCCAGGGCAGCATCAGTGCGGTGAGCTGTTCTAGCACGT-3'
Protein context (NP_001186067.1, residues 886-906): LPWGCDVQGS[Leu896Gln]SSLLKHLEEV

ClinVar aggregate classification (germline): Uncertain significance. Review status: criteria provided, multiple submitters, no conflicts (2 of 4 stars). 2 submissions from 2 submitters: Uncertain significance (2). Last evaluated 2025-11-04.

Conditions:
Autoinflammatory syndrome. Identifiers: Orphanet 93665, MedGen C3890737, MONDO:0019751.
Periodic fever-infantile enterocolitis-autoinflammatory syndrome. Also called: Autoinflammation with infantile enterocolitis. Identifiers: Orphanet 436166, MedGen C4015067, MONDO:0014472, OMIM 616050.
Familial cold autoinflammatory syndrome 4 (FCAS4). Identifiers: Orphanet 47045, Orphanet 576349, MedGen C4015276, MONDO:0014498, OMIM 616115.

Allele frequency attached by ClinVar (database versions not stated): gnomAD exomes 0.00001; TOPMed 0.00001; ExAC 0.00002; gnomAD 0.00003 and 0.00004.
gnomAD v4.1: 22 of 1,613,946 alleles (0.0014%); highest among the groups gnomAD compares: Non-Finnish European, 0.0015%; no homozygotes.

Submissions (2):

Labcorp Genetics (formerly Invitae), Labcorp
Classification: Uncertain significance for Periodic fever-infantile enterocolitis-autoinflammatory syndrome; Familial cold autoinflammatory syndrome 4. Last evaluated: 2025-11-04. Review status: criteria provided, single submitter. Criteria: Invitae Variant Classification Sherloc (09022015). Collection method: clinical testing. Allele origin: germline.
Comment: This sequence change replaces leucine, which is neutral and non-polar, with glutamine, which is neutral and polar, at codon 896 of the NLRC4 protein (p.Leu896Gln). This variant is present in population databases (rs760231283, gnomAD 0.004%). This variant has not been reported in the literature in individuals affected with NLRC4-related conditions. ClinVar contains an entry for this variant (Variation ID: 955158). Invitae Evidence Modeling of protein sequence and biophysical properties (such as structural, functional, and spatial information, amino acid conservation, physicochemical variation, residue mobility, and thermodynamic stability) indicates that this missense variant is expected to disrupt NLRC4 protein function with a positive predictive value of 80%. In summary, the available evidence is currently insufficient to determine the role of this variant in disease. Therefore, it has been classified as a Variant of Uncertain Significance.

Genome Diagnostics Laboratory, The Hospital for Sick Children
Classification: Uncertain significance for Autoinflammatory syndrome. Last evaluated: 2020-03-01. Review status: criteria provided, single submitter. Criteria: ACMG Guidelines, 2015. Collection method: clinical testing. Allele origin: germline. Affected: yes.